The following is an entry in ClinVar:

NM_032119.4(ADGRV1):c.2707G>T (p.Glu903Ter)

Gene: ADGRV1 (adhesion G protein-coupled receptor V1; plus strand). Cytogenetic location: 5q14.3.
Variant type: single nucleotide variant.
Coding change: c.2707G>T on transcript NM_032119.4 (MANE Select); coding-DNA position 2707, G replaced by T.
Protein change: p.Glu903Ter; replaces glutamic acid 903 with a stop codon.
Molecular consequence: nonsense. On other transcripts: non-coding transcript variant (1).
Genome position (GRCh38, 1-based): chr5:90,643,956, G>T. VCF-style: chr5-90643956-G-T. GRCh37 (hg19) VCF-style: chr5-89939773-G-T.
Other names: short protein forms E903*.
Identifiers: ClinVar variation 1070882 (VCV001070882.7), dbSNP rs2149433604, ClinGen allele CA360390217.

ClinVar aggregate classification (germline): Pathogenic (1 of 4 stars; one submission).

Submission:

Labcorp Genetics (formerly Invitae), Labcorp
Classification: Pathogenic. Last evaluated: 2017-11-25. Review status: criteria provided, single submitter. Criteria: Invitae Variant Classification Sherloc (09022015). Collection method: clinical testing. Allele origin: germline.
Comment: Loss-of-function variants in ADGRV1 are known to be pathogenic (PMID: 19357117, 22135276, 22147658). For these reasons, this variant has been classified as Pathogenic. This variant has not been reported in the literature in individuals with ADGRV1-related disease. This sequence change creates a premature translational stop signal (p.Glu903*) in the ADGRV1 gene. It is expected to result in an absent or disrupted protein product. This variant is not present in population databases (ExAC no frequency).

Literature cited by the submitters: PubMed 19357117; PubMed 22135276; PubMed 22147658.